The following is an entry in ClinVar:

ClinVar aggregate classification (germline): Uncertain significance (1 of 4 stars; one submission).

Conditions:
SPEN-related disorder. Also called: SPEN-related condition.

Submission:

PreventionGenetics, part of Exact Sciences
Classification: Uncertain significance for SPEN-related condition. Last evaluated: 2024-11-02. Review status: criteria provided, single submitter. Criteria: ACMG Guidelines, 2015. Collection method: clinical testing. Allele origin: germline.
Comment: The SPEN c.10834A>G variant is predicted to result in the amino acid substitution p.Ile3612Val. To our knowledge, this variant has not been reported in the literature or in a large population database (gnomAD), indicating this variant is rare. At this time, the clinical significance of this variant is uncertain due to the absence of conclusive functional and genetic evidence.

NM_015001.3(SPEN):c.10834A>G (p.Ile3612Val)

Gene: SPEN (spen family transcriptional repressor; plus strand). Cytogenetic location: 1p36.13.
Variant type: single nucleotide variant.
Coding change: c.10834A>G on transcript NM_015001.3 (MANE Select); coding-DNA position 10834, A replaced by G.
Protein change: p.Ile3612Val; replaces isoleucine 3612 with valine.
Molecular consequence: missense variant.
Genome position (GRCh38, 1-based): chr1:15,938,847, A>G. VCF-style: chr1-15938847-A-G. GRCh37 (hg19) VCF-style: chr1-16265342-A-G.
Other names: short protein forms I3612V.
Identifiers: ClinVar variation 4999905 (VCV004999905.1).